The following is an entry in ClinVar:

NM_001162501.2(TNRC6B):c.1225G>T (p.Ala409Ser)

Gene: TNRC6B (trinucleotide repeat containing adaptor 6B; plus strand). Cytogenetic location: 22q13.1.
Variant type: single nucleotide variant.
Coding change: c.1225G>T on transcript NM_001162501.2 (MANE Select); coding-DNA position 1225, G replaced by T.
Protein change: p.Ala409Ser; replaces alanine 409 with serine.
Molecular consequence: missense variant. On other transcripts: intron variant (1).
Genome position (GRCh38, 1-based): chr22:40,265,455, G>T. VCF-style: chr22-40265455-G-T. GRCh37 (hg19) VCF-style: chr22-40661459-G-T.
Other names: c.1225G>T, p.Ala409Ser (NM_015088.3); c.565+3282G>T (NM_001024843.2); short protein forms A409S.
Identifiers: ClinVar variation 1695047 (VCV001695047.31), dbSNP rs747365401, ClinGen allele CA10246654.

ClinVar aggregate classification (germline): Likely benign (1 of 4 stars; one submission).

Allele frequency attached by ClinVar (database versions not stated): TOPMed below 0.00001; ExAC 0.00001; gnomAD 0.00001; gnomAD exomes 0.00001.
gnomAD v4.1: 18 of 1,613,888 alleles (0.0011%); highest among the groups gnomAD compares: Middle Eastern, 0.016%; no homozygotes.

Submission:

CeGaT Center for Human Genetics Tuebingen
Classification: Likely benign. Last evaluated: 2022-06-01. Review status: criteria provided, single submitter. Criteria: CeGaT Center For Human Genetics Tuebingen Variant Classification Criteria Version 2. Collection method: clinical testing. Allele origin: germline. Affected: yes. Observed: 1 variant allele.
Comment: TNRC6B: BP4